The following is an entry in ClinVar:

ClinVar aggregate classification (germline): Uncertain significance (1 of 4 stars; one submission).

Submission:

Labcorp Genetics (formerly Invitae), Labcorp
Classification: Uncertain significance. Last evaluated: 2023-01-16. Review status: criteria provided, single submitter. Criteria: Invitae Variant Classification Sherloc (09022015). Collection method: clinical testing. Allele origin: germline.
Comment: Advanced modeling of protein sequence and biophysical properties (such as structural, functional, and spatial information, amino acid conservation, physicochemical variation, residue mobility, and thermodynamic stability) performed at Invitae indicates that this missense variant is not expected to disrupt POLE protein function. In summary, the available evidence is currently insufficient to determine the role of this variant in disease. Therefore, it has been classified as a Variant of Uncertain Significance. This variant has not been reported in the literature in individuals affected with POLE-related conditions. This variant is not present in population databases (gnomAD no frequency). This sequence change replaces aspartic acid, which is acidic and polar, with glutamic acid, which is acidic and polar, at codon 73 of the POLE protein (p.Asp73Glu).

NM_006231.4(POLE):c.219T>G (p.Asp73Glu)

Gene: POLE (DNA polymerase epsilon, catalytic subunit; minus strand). Cytogenetic location: 12q24.33.
Variant type: single nucleotide variant.
Coding change: c.219T>G on transcript NM_006231.4 (MANE Select); coding-DNA position 219, T replaced by G.
Protein change: p.Asp73Glu; replaces aspartic acid 73 with glutamic acid.
Molecular consequence: missense variant.
Genome position (GRCh38, 1-based): chr12:132,680,673, A>C on the plus strand (T>G on the coding strand, the complement: POLE is on the minus strand). VCF-style: chr12-132680673-A-C. GRCh37 (hg19) VCF-style: chr12-133257259-A-C.
Other names: short protein forms D73E.
Identifiers: ClinVar variation 2092879 (VCV002092879.4), dbSNP rs1593087266, ClinGen allele CA387369349.